The following is an entry in ClinVar:

ClinVar aggregate classification (germline): Uncertain significance (1 of 4 stars; one submission).

Submission:

CeGaT Center for Human Genetics Tuebingen
Classification: Uncertain significance. Last evaluated: 2026-07-01. Review status: criteria provided, single submitter. Criteria: CeGaT Center For Human Genetics Tuebingen Variant Classification Criteria Version 2. Collection method: clinical testing. Allele origin: germline. Affected: yes. Observed: 1 variant allele.
Comment: HCN4: PM2

NM_005477.3(HCN4):c.1738-7_1738-6inv

Gene: HCN4 (hyperpolarization activated cyclic nucleotide gated potassium channel 4; minus strand). Cytogenetic location: 15q24.1.
Variant type: Inversion.
Coding change: c.1738-7_1738-6inv on transcript NM_005477.3 (MANE Select).
Molecular consequence: intron variant.
Genome position: GRCh38 VCF-style: chr15-73325201-GG-CC. GRCh37 (hg19) VCF-style: chr15-73617542-GG-CC.
Identifiers: ClinVar variation 5040752 (VCV005040752.1).
Genomic context (GRCh38, chr15:73,325,201, plus strand): 5'-TGGCAAACAGTGGCATGGAGGCCACCAGCTTCCGACAGTTAAAGTTGATGATCTCCTGCC[GG>CC]ACAGGGTGGATTGGGACACGGGAAGGAGGTGGTGAGGGGAGCTGGCTGCCAGGAAGGCCT-3'